The following is an entry in ClinVar:

NM_207361.6(FREM2):c.3712A>G (p.Ile1238Val)

Gene: FREM2 (FRAS1 related extracellular matrix 2; plus strand). Cytogenetic location: 13q13.3.
Variant type: single nucleotide variant.
Coding change: c.3712A>G on transcript NM_207361.6 (MANE Select); coding-DNA position 3712, A replaced by G.
Protein change: p.Ile1238Val; replaces isoleucine 1238 with valine.
Molecular consequence: missense variant.
Genome position (GRCh38, 1-based): chr13:38,691,056, A>G. VCF-style: chr13-38691056-A-G. GRCh37 (hg19) VCF-style: chr13-39265193-A-G.
Other names: short protein forms I1238V.
Identifiers: ClinVar variation 1390748 (VCV001390748.6), dbSNP rs776875620, ClinGen allele CA6954838.
Genomic context (GRCh38, chr13:38,691,056, plus strand): 5'-GCTGATGTTCCCCTGGATGATTTAACTTTCACTATTACCCAATTCCCCACTCATGGTCAC[A>G]TCATGAATCAGCTGATAAATGGCACGGTTTTGGTCGAAAGCTTCACCTTGGATCAGATCA-3'
Protein context (NP_997244.4, residues 1228-1248): TITQFPTHGH[Ile1238Val]MNQLINGTVL

ClinVar aggregate classification (germline): Uncertain significance. Review status: criteria provided, multiple submitters, no conflicts (2 of 4 stars). 2 submissions from 2 submitters: Uncertain significance (2). Last evaluated 2021-09-22.

Conditions:
Fraser syndrome 2 (FRASRS2). Identifiers: MedGen C4540036, MONDO:0054738, OMIM 617666.
Isolated cryptophthalmia. Also called: ANKYLOBLEPHARON, SIMPLE; Cryptophthalmos, unilateral or bilateral, isolated. Identifiers: Orphanet 91396, MedGen C1852453, MONDO:0007410, OMIM 123570.

Allele frequency attached by ClinVar (database versions not stated): gnomAD exomes below 0.00001 and 0.00001; ExAC 0.00001; TOPMed 0.00001.
gnomAD v4.1: 4 of 1,614,196 alleles (0.00025%); highest among the groups gnomAD compares: Non-Finnish European, 0.00025%; no homozygotes.

Submissions (2):

Fulgent Genetics
Classification: Uncertain significance for Isolated cryptophthalmia; Fraser syndrome 2. Last evaluated: 2021-09-22. Review status: criteria provided, single submitter. Criteria: ACMG Guidelines, 2015. Collection method: clinical testing. Allele origin: unknown.

Labcorp Genetics (formerly Invitae), Labcorp
Classification: Uncertain significance. Last evaluated: 2021-08-28. Review status: criteria provided, single submitter. Criteria: Invitae Variant Classification Sherloc (09022015). Collection method: clinical testing. Allele origin: germline.
Comment: This sequence change replaces isoleucine with valine at codon 1238 of the FREM2 protein (p.Ile1238Val). The isoleucine residue is highly conserved and there is a small physicochemical difference between isoleucine and valine. This variant is present in population databases (rs776875620, ExAC 0.001%). This variant has not been reported in the literature in individuals affected with FREM2-related conditions. Algorithms developed to predict the effect of missense changes on protein structure and function output the following: SIFT: "Tolerated"; PolyPhen-2: "Benign"; Align-GVGD: "Class C0". The valine amino acid residue is found in multiple mammalian species, which suggests that this missense change does not adversely affect protein function. In summary, the available evidence is currently insufficient to determine the role of this variant in disease. Therefore, it has been classified as a Variant of Uncertain Significance.